The following is an entry in ClinVar:

ClinVar aggregate classification (germline): Uncertain significance (1 of 4 stars; one submission).

Conditions:
Hereditary cancer-predisposing syndrome. Also called: Neoplastic Syndromes, Hereditary; Tumor predisposition; Hereditary neoplastic syndrome; Hereditary Cancer Syndrome. Identifiers: Orphanet 140162, MedGen C0027672, MeSH D009386, MONDO:0015356.

gnomAD v4.1: 1 of 1,551,018 alleles (0.000064%); highest among the groups gnomAD compares: Non-Finnish European, 0.000087%; no homozygotes.

Submission:

Ambry Genetics
Classification: Uncertain significance for Hereditary cancer-predisposing syndrome. Last evaluated: 2024-05-07. Review status: criteria provided, single submitter. Criteria: Ambry Variant Classification Scheme 2023. Collection method: clinical testing. Allele origin: germline.
Comment: The p.G1643C variant (also known as c.4927G>T), located in coding exon 34 of the SMARCA4 gene, results from a G to T substitution at nucleotide position 4927. The glycine at codon 1643 is replaced by cysteine, an amino acid with highly dissimilar properties. This amino acid position is conserved. In addition, the in silico prediction for this alteration is inconclusive. Based on the available evidence, the clinical significance of this variant remains unclear.

NM_003072.5(SMARCA4):c.4831G>T (p.Gly1611Cys)

Gene: SMARCA4 (SWI/SNF related BAF chromatin remodeling complex subunit ATPase 4; plus strand). Cytogenetic location: 19p13.2.
Variant type: single nucleotide variant.
Coding change: c.4831G>T on transcript NM_003072.5 (MANE Select); coding-DNA position 4831, G replaced by T.
Protein change: p.Gly1611Cys; replaces glycine 1611 with cysteine.
Molecular consequence: missense variant. On other transcripts: non-coding transcript variant (1).
Genome position (GRCh38, 1-based): chr19:11,060,107, G>T. VCF-style: chr19-11060107-G-T. GRCh37 (hg19) VCF-style: chr19-11170783-G-T.
Other names: c.4831G>T, p.Gly1611Cys (NM_001128844.3); c.4741G>T, p.Gly1581Cys (NM_001128845.2); c.4738G>T, p.Gly1580Cys (NM_001128846.2); c.4732G>T, p.Gly1578Cys (NM_001128847.4, NM_001374457.1); c.4729G>T, p.Gly1577Cys (NM_001128848.2); c.4927G>T, p.Gly1643Cys (NM_001128849.3, NM_001387283.1); c.4828G>T, p.Gly1610Cys (NM_001411150.1); short protein forms G1577C, G1578C, G1581C, G1610C, G1643C, G1580C, G1611C.
Identifiers: ClinVar variation 3320738 (VCV003320738.1).